The following is an entry in ClinVar:

ClinVar aggregate classification (germline): Uncertain significance (1 of 4 stars; one submission).

Submission:

Labcorp Genetics (formerly Invitae), Labcorp
Classification: Uncertain significance. Last evaluated: 2024-09-23. Review status: criteria provided, single submitter. Criteria: Invitae Variant Classification Sherloc (09022015). Collection method: clinical testing. Allele origin: germline.
Comment: This sequence change replaces arginine, which is basic and polar, with glycine, which is neutral and non-polar, at codon 969 of the FLNB protein (p.Arg969Gly). This variant is not present in population databases (gnomAD no frequency). This variant has not been reported in the literature in individuals affected with FLNB-related conditions. ClinVar contains an entry for this variant (Variation ID: 1490011). Invitae Evidence Modeling of protein sequence and biophysical properties (such as structural, functional, and spatial information, amino acid conservation, physicochemical variation, residue mobility, and thermodynamic stability) indicates that this missense variant is not expected to disrupt FLNB protein function with a negative predictive value of 95%. In summary, the available evidence is currently insufficient to determine the role of this variant in disease. Therefore, it has been classified as a Variant of Uncertain Significance.

NM_001457.4(FLNB):c.2905A>G (p.Arg969Gly)

Gene: FLNB (filamin B; plus strand). Cytogenetic location: 3p14.3.
Variant type: single nucleotide variant.
Coding change: c.2905A>G on transcript NM_001457.4 (MANE Select); coding-DNA position 2905, A replaced by G.
Protein change: p.Arg969Gly; replaces arginine 969 with glycine.
Molecular consequence: missense variant.
Genome position (GRCh38, 1-based): chr3:58,121,282, A>G. VCF-style: chr3-58121282-A-G. GRCh37 (hg19) VCF-style: chr3-58107009-A-G.
Other names: c.2905A>G, p.Arg969Gly (NM_001164317.2, NM_001164318.2, NM_001164319.2); short protein forms R969G.
Identifiers: ClinVar variation 1490011 (VCV001490011.6), dbSNP rs2107167074, ClinGen allele CA353347289.